The following is an entry in ClinVar:

NM_001369268.1(ACAN):c.533A>T (p.Asn178Ile)

Gene: ACAN (aggrecan; plus strand). Cytogenetic location: 15q26.1.
Variant type: single nucleotide variant.
Coding change: c.533A>T on transcript NM_001369268.1 (MANE Select); coding-DNA position 533, A replaced by T.
Protein change: p.Asn178Ile; replaces asparagine 178 with isoleucine.
Molecular consequence: missense variant.
Genome position (GRCh38, 1-based): chr15:88,840,090, A>T. VCF-style: chr15-88840090-A-T. GRCh37 (hg19) VCF-style: chr15-89383321-A-T.
Other names: c.533A>T, p.Asn178Ile (NM_001135.4, NM_001411096.1, NM_001411097.1 and 1 more transcripts); short protein forms N178I.
Identifiers: ClinVar variation 2820163 (VCV002820163.3), dbSNP rs1328842971, ClinGen allele CA393717009.

ClinVar aggregate classification (germline): Uncertain significance (1 of 4 stars; one submission).

Allele frequency attached by ClinVar (database versions not stated): gnomAD exomes below 0.00001; TOPMed below 0.00001.
gnomAD v4.1: 1 of 1,605,094 alleles (0.000062%); highest among the groups gnomAD compares: African/African-American, 0.0013%; no homozygotes.

Submission:

Labcorp Genetics (formerly Invitae), Labcorp
Classification: Uncertain significance. Last evaluated: 2023-10-22. Review status: criteria provided, single submitter. Criteria: Invitae Variant Classification Sherloc (09022015). Collection method: clinical testing. Allele origin: germline.
Comment: This sequence change replaces asparagine, which is neutral and polar, with isoleucine, which is neutral and non-polar, at codon 178 of the ACAN protein (p.Asn178Ile). This variant is not present in population databases (gnomAD no frequency). This variant has not been reported in the literature in individuals affected with ACAN-related conditions. Advanced modeling of protein sequence and biophysical properties (such as structural, functional, and spatial information, amino acid conservation, physicochemical variation, residue mobility, and thermodynamic stability) performed at Invitae indicates that this missense variant is not expected to disrupt ACAN protein function. In summary, the available evidence is currently insufficient to determine the role of this variant in disease. Therefore, it has been classified as a Variant of Uncertain Significance.